The following is an entry in ClinVar:

ClinVar aggregate classification (germline): Uncertain significance (1 of 4 stars; one submission).

Submission:

Labcorp Genetics (formerly Invitae), Labcorp
Classification: Uncertain significance. Last evaluated: 2022-10-20. Review status: criteria provided, single submitter. Criteria: Invitae Variant Classification Sherloc (09022015). Collection method: clinical testing. Allele origin: germline.
Comment: This sequence change replaces glutamic acid, which is acidic and polar, with lysine, which is basic and polar, at codon 940 of the CTDP1 protein (p.Glu940Lys). Information on the frequency of this variant in the gnomAD database is not available, as this variant may be reported differently in the database. This variant has not been reported in the literature in individuals affected with CTDP1-related conditions. Experimental studies and prediction algorithms are not available or were not evaluated, and the functional significance of this variant is currently unknown. In summary, the available evidence is currently insufficient to determine the role of this variant in disease. Therefore, it has been classified as a Variant of Uncertain Significance.

NM_004715.5(CTDP1):c.2817_2818inv (p.Glu940Lys)

Gene: CTDP1 (CTD phosphatase subunit 1; plus strand). Cytogenetic location: 18q23.
Variant type: Inversion.
Coding change: c.2817_2818inv on transcript NM_004715.5 (MANE Select).
Protein change: p.Glu940Lys; replaces glutamic acid 940 with lysine.
Molecular consequence: missense variant. On other transcripts: 3 prime UTR variant (2).
Genome position: GRCh38 VCF-style: chr18-79753721-TG-CA. GRCh37 (hg19) VCF-style: chr18-77513721-TG-CA.
Other names: c.2460_2461inv, p.Glu821Lys (NM_001202504.1); c.*46_*47inv (NM_001318511.2); c.*50_*51inv (NM_048368.4); short protein forms E940K, E821K.
Identifiers: ClinVar variation 2189360 (VCV002189360.1), ClinGen allele CA2580096009.